The following is an entry in ClinVar:

NC_000023.10:g.(?_32379145)_(32563471_?)del

Gene: DMD (dystrophin; minus strand). Cytogenetic location: Xp21.1.
Variant type: Deletion.
Identifiers: ClinVar variation 2424897 (VCV002424897.3).

ClinVar aggregate classification (germline): Pathogenic (1 of 4 stars; one submission).

Conditions:
Duchenne muscular dystrophy (DMD). Also called: Duchenne Muscular Dystrophy (DMD); MUSCULAR DYSTROPHY, PSEUDOHYPERTROPHIC PROGRESSIVE, DUCHENNE TYPE. Identifiers: Orphanet 98896, MedGen C0013264, MONDO:0010679, OMIM 310200.

Submission:

Labcorp Genetics (formerly Invitae), Labcorp
Classification: Pathogenic for Duchenne muscular dystrophy. Last evaluated: 2022-05-19. Review status: criteria provided, single submitter. Criteria: Invitae Variant Classification Sherloc (09022015). Collection method: clinical testing. Allele origin: germline.
Comment: This variant is a gross deletion of the genomic region encompassing exon(s) 17-37 of the DMD gene. This variant would be expected to be in-frame, preserving the integrity of the reading frame. This variant has not been reported in the literature in individuals affected with DMD-related conditions. This variant disrupts a region of the DMD protein in which other variant(s) (deletion of exon 30) have been determined to be pathogenic (PMID: 16770791, 17259292, 19084397). This suggests that this is a clinically significant region of the protein, and that variants that disrupt it are likely to be disease-causing. For these reasons, this variant has been classified as Pathogenic.

Literature cited by the submitters: PubMed 16770791; PubMed 17259292; PubMed 19084397.